The following is an entry in ClinVar:

NM_006348.5(COG5):c.1736T>C (p.Ile579Thr)

Gene: COG5 (component of oligomeric golgi complex 5; minus strand). Cytogenetic location: 7q22.3.
Variant type: single nucleotide variant.
Coding change: c.1736T>C on transcript NM_006348.5 (MANE Select); coding-DNA position 1736, T replaced by C.
Protein change: p.Ile579Thr; replaces isoleucine 579 with threonine.
Molecular consequence: missense variant. On other transcripts: intron variant (2).
Genome position (GRCh38, 1-based): chr7:107,256,745, A>G on the plus strand (T>C on the coding strand, the complement: COG5 is on the minus strand). VCF-style: chr7-107256745-A-G. GRCh37 (hg19) VCF-style: chr7-106897190-A-G.
Other names: c.1736T>C, p.Ile579Thr (NM_001161520.2, NM_001379513.1, NM_001379514.1); c.1574T>C, p.Ile525Thr (NM_001379511.1); c.1166T>C, p.Ile389Thr (NM_001379515.1); c.1022T>C, p.Ile341Thr (NM_001379516.1); c.1576-8246T>C (NM_001379512.1); c.1686+1528T>C (NM_181733.4); short protein forms I525T, I341T, I579T, I389T.
Identifiers: ClinVar variation 1371293 (VCV001371293.7), dbSNP rs753306021, ClinGen allele CA4430816.

ClinVar aggregate classification (germline): Uncertain significance (1 of 4 stars; one submission).

Conditions:
COG5-congenital disorder of glycosylation. Also called: CONGENITAL DISORDER OF GLYCOSYLATION, TYPE IIi; CDG IIi; COG5-CDG. Identifiers: Orphanet 263487, MedGen C3150876, MONDO:0013325, OMIM 613612.

Allele frequency attached by ClinVar (database versions not stated): gnomAD exomes below 0.00001; ExAC 0.00001; TOPMed 0.00002.

Submission:

Labcorp Genetics (formerly Invitae), Labcorp
Classification: Uncertain significance for COG5-congenital disorder of glycosylation. Last evaluated: 2022-07-05. Review status: criteria provided, single submitter. Criteria: Invitae Variant Classification Sherloc (09022015). Collection method: clinical testing. Allele origin: germline.
Comment: This sequence change replaces isoleucine, which is neutral and non-polar, with threonine, which is neutral and polar, at codon 610 of the COG5 protein (p.Ile610Thr). This variant is present in population databases (rs753306021, gnomAD 0.003%). This variant has not been reported in the literature in individuals affected with COG5-related conditions. ClinVar contains an entry for this variant (Variation ID: 1371293). Algorithms developed to predict the effect of missense changes on protein structure and function output the following: SIFT: "Tolerated"; PolyPhen-2: "Benign"; Align-GVGD: "Class C0". The threonine amino acid residue is found in multiple mammalian species, which suggests that this missense change does not adversely affect protein function. In summary, the available evidence is currently insufficient to determine the role of this variant in disease. Therefore, it has been classified as a Variant of Uncertain Significance.